The following is an entry in ClinVar:

ClinVar aggregate classification (germline): Uncertain significance (1 of 4 stars; one submission).

gnomAD v4.1: 1 of 1,614,108 alleles (0.000062%); highest among the groups gnomAD compares: Non-Finnish European, 0.000085%; no homozygotes.

Submission:

GeneDx
Classification: Uncertain significance. Last evaluated: 2017-08-01. Review status: criteria provided, single submitter. Criteria: GeneDx Variant Classification (06012015). Collection method: clinical testing. Allele origin: germline. Affected: yes.
Comment: The D1800E variant has not been published as a pathogenic variant, nor has it been reported as a benign variant to our knowledge. The D1800E variant is not observed in large population cohorts (Lek et al., 2016; 1000 Genomes Consortium et al., 2015; Exome Variant Server). This variant is a conservative amino acid substitution, which is not likely to impact secondary protein structure as these residues share similar properties. However, this substitution occurs at a position that is conserved across species, and in silico analysis predicts this variant is probably damaging to the protein structure/function.

NM_001130438.3(SPTAN1):c.5400C>G (p.Asp1800Glu)

Gene: SPTAN1 (spectrin alpha, non-erythrocytic 1; plus strand). Cytogenetic location: 9q34.11.
Variant type: single nucleotide variant.
Coding change: c.5400C>G on transcript NM_001130438.3 (MANE Select); coding-DNA position 5400, C replaced by G.
Protein change: p.Asp1800Glu; replaces aspartic acid 1800 with glutamic acid.
Molecular consequence: missense variant.
Genome position (GRCh38, 1-based): chr9:128,617,682, C>G. VCF-style: chr9-128617682-C-G. GRCh37 (hg19) VCF-style: chr9-131379961-C-G.
Other names: c.5325C>G, p.Asp1775Glu (NM_001195532.2); c.5400C>G, p.Asp1800Glu (NM_001363759.2); c.5340C>G, p.Asp1780Glu (NM_001363765.2); c.5385C>G, p.Asp1795Glu (NM_003127.4); short protein forms D1800E, D1780E, D1775E, D1795E.
Identifiers: ClinVar variation 450963 (VCV000450963.2), dbSNP rs779973472, ClinGen allele CA375075992.
Genomic context (GRCh38, chr9:128,617,682, plus strand): 5'-TTCCCATCTCTCATTCAGGGAGAAGAAGCTGCTGGTGGGCTCAGAGGACTACGGCCGGGA[C>G]CTAACCGGCGTGCAGAACCTGAGGAAGAAGCACAAGCGGCTGGAAGCAGAACTGGCTGCG-3'
Protein context (NP_001123910.1, residues 1790-1810): LLVGSEDYGR[Asp1800Glu]LTGVQNLRKK